The following is an entry in ClinVar:

ClinVar aggregate classification (germline): Pathogenic (1 of 4 stars; one submission).

Conditions:
Neuromuscular disease caused by qualitative or quantitative defects of dysferlin. Also called: Dysferlinopathy; Qualitative or quantitative defects of dysferlin. Identifiers: Orphanet 207073, MedGen C2931687, MONDO:0016145.

Submission:

Labcorp Genetics (formerly Invitae), Labcorp
Classification: Pathogenic for Dysferlinopathy. Last evaluated: 2019-03-27. Review status: criteria provided, single submitter. Criteria: Invitae Variant Classification Sherloc (09022015). Collection method: clinical testing. Allele origin: germline.
Comment: This sequence change creates a premature translational stop signal (p.Phe101Leufs*50) in the DYSF gene. It is expected to result in an absent or disrupted protein product. This variant is not present in population databases (ExAC no frequency). This variant has not been reported in the literature in individuals with DYSF-related conditions. Loss-of-function variants in DYSF are known to be pathogenic (PMID: 17698709, 20301480). For these reasons, this variant has been classified as Pathogenic.

NM_001130987.2(DYSF):c.306del (p.Phe102fs)

Gene: DYSF (dysferlin; plus strand). Cytogenetic location: 2p13.2.
Variant type: Deletion.
Coding change: c.306del on transcript NM_001130987.2 (MANE Select); coding-DNA position 306, one base deleted (C; older notation c.306delC).
Protein change: p.Phe102fs; shifts the reading frame from phenylalanine 102.
Molecular consequence: frameshift variant.
Genome position (GRCh38, 1-based): chr2:71,503,280, C deleted. VCF-style (leftmost placement, unchanged base first): chr2-71503279-TC-T. GRCh37 (hg19) VCF-style: chr2-71730409-TC-T.
Other names: c.306del, p.Phe102fs (NM_001130455.2, NM_001130982.2, NM_001130983.2 and 3 more transcripts); c.303del, p.Phe101fs (NM_001130976.2, NM_001130977.2, NM_001130978.2 and 4 more transcripts); short protein forms F102fs, F101fs.
Identifiers: ClinVar variation 863635 (VCV000863635.1), dbSNP rs2085171684, ClinGen allele CA916082537.